The following is an entry in ClinVar:

NM_004341.5(CAD):c.286A>C (p.Ser96Arg)

Gene: CAD (carbamoyl-phosphate synthetase 2, aspartate transcarbamylase, and dihydroorotase; plus strand). Cytogenetic location: 2p23.3.
Variant type: single nucleotide variant.
Coding change: c.286A>C on transcript NM_004341.5 (MANE Select); coding-DNA position 286, A replaced by C.
Protein change: p.Ser96Arg; replaces serine 96 with arginine.
Molecular consequence: missense variant.
Genome position (GRCh38, 1-based): chr2:27,221,281, A>C. VCF-style: chr2-27221281-A-C. GRCh37 (hg19) VCF-style: chr2-27444149-A-C.
Other names: c.286A>C, p.Ser96Arg (NM_001306079.2); short protein forms S96R.
Identifiers: ClinVar variation 1371709 (VCV001371709.3), dbSNP rs371907143, ClinGen allele CA346197640.

ClinVar aggregate classification (germline): Uncertain significance (1 of 4 stars; one submission).

gnomAD v4.1: 5 of 1,592,826 alleles (0.00031%); highest among the groups gnomAD compares: Non-Finnish European, 0.00043%; no homozygotes.

Submission:

Labcorp Genetics (formerly Invitae), Labcorp
Classification: Uncertain significance. Last evaluated: 2021-08-07. Review status: criteria provided, single submitter. Criteria: Invitae Variant Classification Sherloc (09022015). Collection method: clinical testing. Allele origin: germline.
Comment: This sequence change replaces serine with arginine at codon 96 of the CAD protein (p.Ser96Arg). The serine residue is moderately conserved and there is a moderate physicochemical difference between serine and arginine. This variant is not present in population databases (ExAC no frequency). This variant has not been reported in the literature in individuals affected with CAD-related conditions. Algorithms developed to predict the effect of missense changes on protein structure and function are either unavailable or do not agree on the potential impact of this missense change (SIFT: "Tolerated"; PolyPhen-2: "Possibly Damaging"; Align-GVGD: "Class C0"). In summary, the available evidence is currently insufficient to determine the role of this variant in disease. Therefore, it has been classified as a Variant of Uncertain Significance.